The following is an entry in ClinVar:

NM_002294.3(LAMP2):c.688G>A (p.Asp230Asn)

Gene: LAMP2 (lysosome associated membrane protein 2; minus strand). Cytogenetic location: Xq24.
Variant type: single nucleotide variant.
Coding change: c.688G>A on transcript NM_002294.3 (MANE Select); coding-DNA position 688, G replaced by A.
Protein change: p.Asp230Asn; replaces aspartic acid 230 with asparagine.
Molecular consequence: missense variant.
Genome position (GRCh38, 1-based): chrX:120,447,894, C>T on the plus strand (G>A on the coding strand, the complement: LAMP2 is on the minus strand). VCF-style: chrX-120447894-C-T. GRCh37 (hg19) VCF-style: chrX-119581749-C-T.
Other names: c.688G>A, p.Asp230Asn (NM_001122606.1, NM_013995.2); short protein forms D230N.
Identifiers: ClinVar variation 1978599 (VCV001978599.4), dbSNP rs2520884011, ClinGen allele CA414401329.

ClinVar aggregate classification (germline): Uncertain significance (1 of 4 stars; one submission).

Conditions:
Danon disease. Also called: Glycogen Storage Disease Type IIb; GSD IIb; LYSOSOMAL GLYCOGEN STORAGE DISEASE WITHOUT ACID MALTASE DEFICIENCY; ANTOPOL DISEASE; PSEUDOGLYCOGENOSIS II. Identifiers: Orphanet 34587, MedGen C0878677, MONDO:0010281, OMIM 300257.

Submission:

Labcorp Genetics (formerly Invitae), Labcorp
Classification: Uncertain significance for Danon disease. Last evaluated: 2025-01-06. Review status: criteria provided, single submitter. Criteria: Invitae Variant Classification Sherloc (09022015). Collection method: clinical testing. Allele origin: germline.
Comment: This sequence change replaces aspartic acid, which is acidic and polar, with asparagine, which is neutral and polar, at codon 230 of the LAMP2 protein (p.Asp230Asn). This variant is not present in population databases (gnomAD no frequency). This variant has not been reported in the literature in individuals affected with LAMP2-related conditions. ClinVar contains an entry for this variant (Variation ID: 1978599). Invitae Evidence Modeling of protein sequence and biophysical properties (such as structural, functional, and spatial information, amino acid conservation, physicochemical variation, residue mobility, and thermodynamic stability) indicates that this missense variant is not expected to disrupt LAMP2 protein function with a negative predictive value of 80%. In summary, the available evidence is currently insufficient to determine the role of this variant in disease. Therefore, it has been classified as a Variant of Uncertain Significance.